The following is an entry in ClinVar:

NM_024753.5(TTC21B):c.21+9_21+10insGAGCGGGC

Gene: TTC21B (tetratricopeptide repeat domain 21B; minus strand). Cytogenetic location: 2q24.3.
Variant type: Insertion.
Coding change: c.21+9_21+10insGAGCGGGC on transcript NM_024753.5 (MANE Select); bases 9 to 10 of the intron after coding-DNA position 21, GAGCGGGC inserted.
Molecular consequence: intron variant.
Genome position: GRCh38 VCF-style: chr2-165953675-A-ACCCGCTCG. GRCh37 (hg19) VCF-style: chr2-166810185-A-ACCCGCTCG.
Other names: p.?; c.21+9_21+10insCGAGCGGG (NM_024753.5, NM_024753.4).
Identifiers: ClinVar variation 2043046 (VCV002043046.6), dbSNP rs141509830, ClinGen allele CA537160282.

ClinVar aggregate classification (germline): Conflicting classifications of pathogenicity. Review status: criteria provided, conflicting classifications (1 of 4 stars). 4 submissions from 4 submitters: Uncertain significance (2); Likely benign (2). Last evaluated 2025-04-30.

Conditions:
TTC21B-related disorder. Also called: TTC21B-related condition; TTC21B-related disorders.
Nephronophthisis. Also called: Juvenile Nephronophthisis. Identifiers: Orphanet 655, MedGen C0687120, MONDO:0019005, HP:0000090.
Jeune thoracic dystrophy. Also called: Jeune syndrome; Infantile thoracic dystrophy; Thoracic pelvic phalangeal dystrophy; Jeune's syndrome; Chondroectodermal dysplasia-like syndrome; Short-rib thoracic dysplasia. Identifiers: Orphanet 474, MedGen C0265275, MONDO:0018770.
Asphyxiating thoracic dystrophy 4 (SRTD4). Also called: SHORT-RIB THORACIC DYSPLASIA 4 WITH OR WITHOUT POLYDACTYLY; SHORT-RIB THORACIC DYSPLASIA 4. Identifiers: Orphanet 474, MedGen C3151185, MONDO:0013441, OMIM 613819.
Nephronophthisis 12 (NPHP12). Identifiers: Orphanet 655, MedGen C3151186, MONDO:0013442, OMIM 613820.

Submissions (4):

Mayo Clinic Laboratories, Mayo Clinic
Classification: Uncertain significance. Last evaluated: 2025-04-30. Review status: criteria provided, single submitter. Criteria: ACMG Guidelines, 2015. Collection method: clinical testing. Allele origin: germline. Observed: 1 variant allele.

PreventionGenetics, part of Exact Sciences
Classification: Likely benign for TTC21B-related condition. Last evaluated: 2024-11-14. Review status: criteria provided, single submitter. Criteria: ACMG Guidelines, 2015. Collection method: clinical testing. Allele origin: germline.
Comment: This variant is classified as likely benign based on ACMG/AMP sequence variant interpretation guidelines (Richards et al. 2015 PMID: 25741868, with internal and published modifications).

Labcorp Genetics (formerly Invitae), Labcorp
Classification: Likely benign for Jeune thoracic dystrophy; Nephronophthisis. Last evaluated: 2024-08-05. Review status: criteria provided, single submitter. Criteria: Invitae Variant Classification Sherloc (09022015). Collection method: clinical testing. Allele origin: germline.

Fulgent Genetics
Classification: Uncertain significance for Asphyxiating thoracic dystrophy 4; Nephronophthisis 12. Last evaluated: 2024-02-20. Review status: criteria provided, single submitter. Criteria: ACMG Guidelines, 2015. Collection method: clinical testing. Allele origin: germline.